The following is an entry in ClinVar:

ClinVar aggregate classification (germline): Pathogenic/Likely pathogenic. Review status: criteria provided, multiple submitters, no conflicts (2 of 4 stars). 6 submissions from 6 submitters: Pathogenic (2); Likely pathogenic (4). Last evaluated 2026-06-01.

Conditions:
Mucopolysaccharidosis type 1. Also called: Mucopolysaccharidosis Type I; IDUA deficiency; MPS I. Identifiers: Orphanet 579, MedGen C0023786, MONDO:0001586.

Allele frequency attached by ClinVar (database versions not stated): gnomAD 0.00001; ESP Exome Variant Server 0.00008; gnomAD exomes below 0.00001; ExAC 0.00001; TOPMed 0.00002.
gnomAD v4.1: 2 of 1,613,064 alleles (0.00012%); highest among the groups gnomAD compares: African/African-American, 0.0013%; no homozygotes.

Submissions (6):

CeGaT Center for Human Genetics Tuebingen
Classification: Likely pathogenic. Last evaluated: 2026-06-01. Review status: criteria provided, single submitter. Criteria: CeGaT Center For Human Genetics Tuebingen Variant Classification Criteria Version 2. Collection method: clinical testing. Allele origin: germline. Affected: yes. Observed: 1 variant allele.
Comment: IDUA: PM2, PM3, PM5, PP3, PP4, PS3:Supporting

Labcorp Genetics (formerly Invitae), Labcorp
Classification: Pathogenic for Mucopolysaccharidosis type 1. Last evaluated: 2025-09-23. Review status: criteria provided, single submitter. Criteria: Invitae Variant Classification Sherloc (09022015). Collection method: clinical testing. Allele origin: germline.
Comment: This sequence change replaces aspartic acid, which is acidic and polar, with asparagine, which is neutral and polar, at codon 349 of the IDUA protein (p.Asp349Asn). The frequency data for this variant in the population databases is considered unreliable, as metrics indicate poor data quality at this position in the gnomAD database. This missense change has been observed in individuals with mucopolysaccharidosis type I (PMID: 8680403, 31194252). ClinVar contains an entry for this variant (Variation ID: 92623). Invitae Evidence Modeling of protein sequence and biophysical properties (such as structural, functional, and spatial information, amino acid conservation, physicochemical variation, residue mobility, and thermodynamic stability) indicates that this missense variant is expected to disrupt IDUA protein function with a positive predictive value of 95%. This variant disrupts the p.Asp349 amino acid residue in IDUA. Other variant(s) that disrupt this residue have been determined to be pathogenic (PMID: 12203999, 12559846). This suggests that this residue is clinically significant, and that variants that disrupt this residue are likely to be disease-causing. For these reasons, this variant has been classified as Pathogenic.

Natera, Inc.
Classification: Likely pathogenic for Mucopolysaccharidosis type I. Last evaluated: 2024-11-26. Review status: criteria provided, single submitter. Criteria: Natera Variant Classification Schema (03/2026). Collection method: clinical testing. Allele origin: germline.
Comment: The c.1045G>A variant in IDUA is a missense variant predicted to cause substitution of aspartic acid to asparagine at amino acid 349. This variant is rare in the general population with a frequency below the threshold expected for the associated phenotype(s). This variant has been observed in one or more individuals affected with the associated recessive disease, as either homozygous or compound heterozygous with a second variant (PMID: 8680403, 31194252). A different variant at the same position has been determined to be Pathogenic or Likely Pathogenic. Computational prediction algorithms indicate this variant is likely to affect gene or protein function. Given the available evidence, this variant is classified as Likely Pathogenic.

Revvity Omics, Revvity
Classification: Likely pathogenic. Last evaluated: 2023-12-18. Review status: criteria provided, single submitter. Criteria: ACMG Guidelines, 2015. Collection method: clinical testing. Allele origin: germline.

Broad Center for Mendelian Genomics, Broad Institute of MIT and Harvard
Classification: Likely pathogenic for Mucopolysaccharidosis type 1. Last evaluated: 2020-01-14. Review status: criteria provided, single submitter. Criteria: ACMG Guidelines, 2015. Collection method: curation. Allele origin: germline. Inheritance: Autosomal recessive inheritance.
Comment: The p.Asp349Asn variant in IDUA has been reported in 2 individuals with mucopolysaccharidosis (MPS) (PMID: 1627351, 8680403) and has been identified in 0.006% (1/15972) of African chromosomes by the Genome Aggregation Database (gnomAD; dbSNP rs368454909). Although this variant has been seen in the general population, its frequency is low enough to be consistent with a recessive carrier frequency. This variant has also been reported in ClinVar (VariationID: 92623) as pathogenic by EGL Genetic Diagnostics. In vitro functional studies provide some evidence that the p.Asp349Asn variant may impact protein function (PMID: 1627351). However, these types of assays may not accurately represent biological function. Computational prediction tools and conservation analyses suggest that this variant may impact the protein, though this information is not predictive enough to determine pathogenicity. The presence of this variant in combination with a reported pathogenic variant in an individual with MPS increases the likelihood that the p.Asp349Asn variant is pathogenic (VariationID: 11909; PMID: 8680403). This variant is located in a region of IDUA that is essential to substrate binding, suggesting that this variant is in a functional domain and supports pathogenicity (PMID: 24036510, 23959878, 1627351). In summary, although additional studies are required to fully establish its clinical significance, this variant is likely pathogenic. ACMG/AMP Criteria applied: PM2, PM1, PS3_moderate, PP3, PM3_supporting (Richards 2015).

Eurofins Ntd Llc (ga)
Classification: Pathogenic. Last evaluated: 2012-11-30. Review status: criteria provided, single submitter. Criteria: EGL Classification Definitions. Collection method: clinical testing. Allele origin: germline. Observed: 1 variant allele, 1 heterozygote.

Literature cited by the submitters: PubMed 8680403 (cited by 3 submitters); PubMed 31194252 (cited by Labcorp Genetics (formerly Invitae), Labcorp and Natera, Inc.); PubMed 12203999 (cited by Labcorp Genetics (formerly Invitae), Labcorp); PubMed 12559846 (cited by Labcorp Genetics (formerly Invitae), Labcorp); PubMed 23959878 (cited by Broad Center for Mendelian Genomics, Broad Institute of MIT and Harvard); PubMed 24036510 (cited by Broad Center for Mendelian Genomics, Broad Institute of MIT and Harvard); PubMed 1627351 (cited by Broad Center for Mendelian Genomics, Broad Institute of MIT and Harvard).

NM_000203.5(IDUA):c.1045G>A (p.Asp349Asn)

Gene: IDUA (alpha-L-iduronidase; plus strand). Cytogenetic location: 4p16.3.
Variant type: single nucleotide variant.
Coding change: c.1045G>A on transcript NM_000203.5 (MANE Select); coding-DNA position 1045, G replaced by A.
Protein change: p.Asp349Asn; replaces aspartic acid 349 with asparagine.
Molecular consequence: missense variant. On other transcripts: non-coding transcript variant (1).
Genome position (GRCh38, 1-based): chr4:1,002,341, G>A. VCF-style: chr4-1002341-G-A. GRCh37 (hg19) VCF-style: chr4-996129-G-A.
Other names: c.649G>A, p.Asp217Asn (NM_001363576.1); c.1045G>A (NM_000203.4); short protein forms D349N, D217N.
Identifiers: ClinVar variation 92623 (VCV000092623.23), dbSNP rs368454909, ClinGen allele CA220497.